The following is an entry in ClinVar:

NM_022124.6(CDH23):c.8135T>A (p.Leu2712Gln)

Gene: CDH23 (cadherin related 23; plus strand). Cytogenetic location: 10q22.1.
Variant type: single nucleotide variant.
Coding change: c.8135T>A on transcript NM_022124.6 (MANE Select); coding-DNA position 8135, T replaced by A.
Protein change: p.Leu2712Gln; replaces leucine 2712 with glutamine.
Molecular consequence: missense variant.
Genome position (GRCh38, 1-based): chr10:71,806,238, T>A. VCF-style: chr10-71806238-T-A. GRCh37 (hg19) VCF-style: chr10-73565995-T-A.
Other names: c.1415T>A, p.Leu472Gln (NM_001171933.1, NM_001171934.1); short protein forms L2712Q, L472Q.
Identifiers: ClinVar variation 3601668 (VCV003601668.1).

ClinVar aggregate classification (germline): Likely pathogenic (1 of 4 stars; one submission).

Conditions:
Autosomal recessive nonsyndromic hearing loss 12. Also called: DEAFNESS, AUTOSOMAL RECESSIVE 12. Identifiers: Orphanet 90636, MedGen C1832394, MONDO:0011067, OMIM 601386.

Submission:

Institute of Rare Diseases, West China Hospital, Sichuan University
Classification: Likely pathogenic for Autosomal recessive nonsyndromic hearing loss 12. Last evaluated: 2025-01-09. Review status: criteria provided, single submitter. Criteria: ClinGen HL ACMG Specifications v1. Collection method: research. Allele origin: germline. Affected: yes.
Comment: PM3;PS2;PM2_Supporting;PP3